The following is an entry in ClinVar:

ClinVar aggregate classification (germline): Conflicting classifications of pathogenicity. Review status: criteria provided, conflicting classifications (1 of 4 stars). 3 submissions from 3 submitters: Likely risk allele (1); Uncertain significance (2). Last evaluated 2025-03-23.

Conditions:
Inborn genetic diseases. Identifiers: MedGen C0950123, MeSH D030342.
Wolfram syndrome 1 (WFS1). Identifiers: Orphanet 3463, MedGen C4551693, MONDO:0009101, OMIM 222300.

Submissions (3):

Ambry Genetics
Classification: Uncertain significance for Inborn genetic diseases. Last evaluated: 2025-03-23. Review status: criteria provided, single submitter. Criteria: Ambry Variant Classification Scheme 2023. Collection method: clinical testing. Allele origin: germline.

Laboratory for Molecular Medicine, Mass General Brigham Personalized Medicine
Classification: Uncertain significance. Last evaluated: 2015-08-05. Review status: criteria provided, single submitter. Criteria: LMM Criteria. Collection method: clinical testing. Allele origin: germline. Observed: 2 variant alleles.
Comment: Variant classified as Uncertain Significance - Favor Pathogenic. It was absent from large population studie s, but present in dbSNP without frequency information (dbSNP rs727503753). Compu tational prediction tools and conservation analysis suggest that the p.Phe775Val variant may impact the protein, though this information is not predictive enoug h to determine pathogenicity. In summary, while there is some suspicion for a pa thogenic role, the clinical significance of the p.Phe775Val variant is uncertain .

Clinical Genomics, Uppaluri K&H Personalized Medicine Clinic
Classification: Likely risk allele for Wolfram syndrome 1. Review status: criteria provided, single submitter. Criteria: K & H Uppaluri Personalized Medicine Clinic Variant Classification & Assertion Criteria_Updated V.1. Collection method: research. Allele origin: unknown. Inheritance: Autosomal recessive inheritance.
Comment: Potent mutations in WFS1 gene are associated with Wolfram's syndrome, an autosomal recessive condition, which cause diabetes mellitus, diabetes insipidus, deafness and optic atrophy. However no sufficient evidence is found to ascertain the role of this particular variant rs727503753 in Wolfram's syndrome yet.

Literature cited by the submitters: PubMed 20738327 (cited by Clinical Genomics, Uppaluri K&H Personalized Medicine Clinic); PubMed 33879153 (cited by Clinical Genomics, Uppaluri K&H Personalized Medicine Clinic); PubMed 12955714 (cited by Clinical Genomics, Uppaluri K&H Personalized Medicine Clinic); PubMed 18060660 (cited by Clinical Genomics, Uppaluri K&H Personalized Medicine Clinic); PubMed 20301750 (cited by Clinical Genomics, Uppaluri K&H Personalized Medicine Clinic); PubMed 17603484 (cited by Clinical Genomics, Uppaluri K&H Personalized Medicine Clinic).

NM_006005.3(WFS1):c.2323T>G (p.Phe775Val)

Gene: WFS1 (wolframin ER transmembrane glycoprotein; plus strand). Cytogenetic location: 4p16.1.
Variant type: single nucleotide variant.
Coding change: c.2323T>G on transcript NM_006005.3 (MANE Select); coding-DNA position 2323, T replaced by G.
Protein change: p.Phe775Val; replaces phenylalanine 775 with valine.
Molecular consequence: missense variant.
Genome position (GRCh38, 1-based): chr4:6,302,118, T>G. VCF-style: chr4-6302118-T-G. GRCh37 (hg19) VCF-style: chr4-6303845-T-G.
Other names: c.2323T>G, p.Phe775Val (NM_001145853.1); short protein forms F775V.
Identifiers: ClinVar variation 166605 (VCV000166605.7), dbSNP rs727503753, ClinGen allele CA179673.